The following is an entry in ClinVar:

NM_000404.4(GLB1):c.733+1G>A

Gene: GLB1 (galactosidase beta 1; minus strand). Cytogenetic location: 3p22.3.
Variant type: single nucleotide variant.
Coding change: c.733+1G>A on transcript NM_000404.4 (MANE Select); the canonical splice donor site of the intron after coding-DNA position 733, G replaced by A.
Molecular consequence: splice donor variant. On other transcripts: intron variant (1).
Genome position (GRCh38, 1-based): chr3:33,058,088, C>T on the plus strand (G>A on the coding strand, the complement: GLB1 is on the minus strand). VCF-style: chr3-33058088-C-T. GRCh37 (hg19) VCF-style: chr3-33099580-C-T.
Other names: c.733+1G>A (NM_001393580.1, NM_000404.3); c.341-4539G>A (NM_001135602.3); c.877+1G>A (NM_001317040.2); c.643+1G>A (NM_001079811.3).
Identifiers: ClinVar variation 553125 (VCV000553125.12), dbSNP rs1041204916, ClinGen allele CA72670617.
Genomic context (GRCh38, chr3:33,058,088, plus strand): 5'-AGCAACTGACTGAGTAAAAAGCTGATTTTAAGCTGCAATTTCTGTTACTACAAACACCAA[C>T]CTGTTCCAAAGTCCACCGTGGTGTAGAGGCCCTGCAGGGCCCCACATTTCAGGAATGTTT-3'

ClinVar aggregate classification (germline): Pathogenic. Review status: criteria provided, multiple submitters, no conflicts (2 of 4 stars). 4 submissions from 4 submitters: Pathogenic (3). 1 of the submissions does not count toward it. Last evaluated 2026-01-14.

Conditions:
GM1 gangliosidosis type 3. Also called: GANGLIOSIDOSIS, GENERALIZED GM1, ADULT TYPE; GANGLIOSIDOSIS, GENERALIZED GM1, CHRONIC TYPE; GANGLIOSIDOSIS, GENERALIZED GM1, TYPE III; GM1-GANGLIOSIDOSIS, TYPE III; Beta-galactosidase deficiency; Adult GM1 gangliosidosis. Identifiers: Orphanet 79257, MedGen C0268273, MONDO:0009262, OMIM 230650.
GM1 gangliosidosis type 2. Also called: GANGLIOSIDOSIS, GENERALIZED GM1, JUVENILE TYPE; GANGLIOSIDOSIS, GENERALIZED GM1, TYPE II; GM1-GANGLIOSIDOSIS, TYPE II; Juvenile GM>1< gangliosidosis; Gangliosidosis, Generalized GM1, Type 2. Identifiers: Orphanet 354, Orphanet 79256, MedGen C0268272, MONDO:0009261, OMIM 230600.
Infantile GM1 gangliosidosis. Also called: GM1 gangliosidosis type 1; GM1-gangliosidosis, type I; Gangliosidosis, generalized GM1, infantile form; GLB1 deficiency; Gangliosidosis, Generalized GM1, Type 1. Identifiers: Orphanet 354, Orphanet 79255, MedGen C0268271, MONDO:0009260, OMIM 230500.
Mucopolysaccharidosis, MPS-IV-B (MPS4B). Also called: Mucopolysaccharidosis type 4B; Mucopolysaccharidosis Type IVB (Morquio B Disease); MORQUIO SYNDROME B; Mucopolysaccharidosis type IVB (Morquio); MPS IVB; Mucopolysaccharidosis type IV B. Identifiers: Orphanet 309310, Orphanet 582, MedGen C0086652, MONDO:0009660, OMIM 253010.
GM1 gangliosidosis. Identifiers: Orphanet 354, MedGen C0085131, MONDO:0018149.

Allele frequency attached by ClinVar (database versions not stated): gnomAD exomes below 0.00001; TOPMed 0.00002.
gnomAD v4.1: 59 of 1,613,486 alleles (0.0037%); highest among the groups gnomAD compares: Non-Finnish European, 0.0048%; no homozygotes.

Submissions (4):

Labcorp Genetics (formerly Invitae), Labcorp
Classification: Pathogenic for Mucopolysaccharidosis, MPS-IV-B; GM1 gangliosidosis. Last evaluated: 2026-01-14. Review status: criteria provided, single submitter. Criteria: Invitae Variant Classification Sherloc (09022015). Collection method: clinical testing. Allele origin: germline.
Comment: This sequence change affects a donor splice site in intron 6 of the GLB1 gene. It is expected to disrupt RNA splicing. Variants that disrupt the donor or acceptor splice site typically lead to a loss of protein function (PMID: 16199547), and loss-of-function variants in GLB1 are known to be pathogenic (PMID: 18524657). The frequency data for this variant in the population databases is considered unreliable, as metrics indicate poor data quality at this position in the gnomAD database. Disruption of this splice site has been observed in individual(s) with GM1-gangliosidosis (PMID: 15714521). ClinVar contains an entry for this variant (Variation ID: 553125). Algorithms developed to predict the effect of sequence changes on RNA splicing suggest that this variant may disrupt the consensus splice site. For these reasons, this variant has been classified as Pathogenic.

Natera, Inc.
Classification: Pathogenic for Mucopolysaccharidosis, MPS-IV-B. Last evaluated: 2025-10-21. Review status: criteria provided, single submitter. Criteria: Natera Variant Classification Schema (03/2026). Collection method: clinical testing. Allele origin: germline.
Comment: The c.733+1G>A variant in GLB1 is a canonical splice donor site variant predicted to affect pre-mRNA splicing, which may result in an abnormal transcript and altered protein product. This variant is expected to result in nonsense mediated decay, truncation, or a dysfunctional protein product. This variant is rare in the general population with a frequency below the threshold expected for the associated phenotype(s). Another variant at this same site results in an alteration predicted to cause a similar molecular effect has been observed in individual(s) with the associated phenotype. Given the available evidence, this variant is classified as Pathogenic.

GeneDx
Classification: Pathogenic. Last evaluated: 2021-12-10. Review status: criteria provided, single submitter. Criteria: GeneDx Variant Classification Process June 2021. Collection method: clinical testing. Allele origin: germline. Affected: yes.
Comment: Canonical splice site variant predicted to result in a null allele in a gene for which loss-of-function is a known mechanism of disease; Not observed at a significant frequency in large population cohorts (Lek et al., 2016); Has not been previously published as pathogenic or benign to our knowledge

Counsyl
Classification: Likely pathogenic for Infantile GM1 gangliosidosis; GM1 gangliosidosis type 2; GM1 gangliosidosis type 3; Mucopolysaccharidosis, MPS-IV-B. Last evaluated: 2017-07-28. Review status: no assertion criteria provided. Collection method: clinical testing. Allele origin: unknown. Not counted in ClinVar's aggregate classification.

Literature cited by the submitters: PubMed 16199547 (cited by Labcorp Genetics (formerly Invitae), Labcorp); PubMed 18524657 (cited by Labcorp Genetics (formerly Invitae), Labcorp); PubMed 15714521 (cited by Labcorp Genetics (formerly Invitae), Labcorp).